The following is an entry in ClinVar:

NM_004963.4(GUCY2C):c.830+6T>C

Genes: GUCY2C (guanylate cyclase 2C; minus strand), GUCY2C-AS1 (GUCY2C antisense RNA 1; plus strand). Cytogenetic location: 12p12.3.
Variant type: single nucleotide variant.
Coding change: c.830+6T>C on transcript NM_004963.4 (MANE Select); 6 bases into the intron after coding-DNA position 830, T replaced by C.
Molecular consequence: intron variant.
Genome position (GRCh38, 1-based): chr12:14,679,651, A>G on the plus strand (T>C on the coding strand, the complement: GUCY2C is on the minus strand). VCF-style: chr12-14679651-A-G. GRCh37 (hg19) VCF-style: chr12-14832585-A-G.
Identifiers: ClinVar variation 4715031 (VCV004715031.1).
Genomic context (GRCh38, chr12:14,679,651, plus strand): 5'-CTTCTGGAAATCCTTGGAATACTTCCTTTTTGAAAGGAGGAGGGTTTTTCCAAATGTTAT[A>G]CCTACTTGAAAAGATCCACTAGAATAATGACAATGTCTTCAGCCACTGCTCGGTCACCCT-3'

ClinVar aggregate classification (germline): Uncertain significance (1 of 4 stars; one submission).

Submission:

Labcorp Genetics (formerly Invitae), Labcorp
Classification: Uncertain significance. Last evaluated: 2025-03-13. Review status: criteria provided, single submitter. Criteria: Invitae Variant Classification Sherloc (09022015). Collection method: clinical testing. Allele origin: germline.
Comment: This sequence change falls in intron 6 of the GUCY2C gene. It does not directly change the encoded amino acid sequence of the GUCY2C protein. It affects a nucleotide within the consensus splice site. This variant is not present in population databases (gnomAD no frequency). This variant has not been reported in the literature in individuals affected with GUCY2C-related conditions. Variants that disrupt the consensus splice site are a relatively common cause of aberrant splicing (PMID: 17576681, 9536098). Algorithms developed to predict the effect of sequence changes on RNA splicing suggest that this variant may disrupt the consensus splice site. In summary, the available evidence is currently insufficient to determine the role of this variant in disease. Therefore, it has been classified as a Variant of Uncertain Significance.

Literature cited by the submitters: PubMed 17576681; PubMed 9536098.